The following is an entry in ClinVar:

ClinVar aggregate classification (germline): Likely benign. Review status: criteria provided, multiple submitters, no conflicts (2 of 4 stars). 3 submissions from 3 submitters: Likely benign (3). Last evaluated 2026-06-29.

Conditions:
VIM-related disorder. Also called: VIM-related condition.
Cataract 30 (CTRCT30). Also called: CATARACT 30, PULVERULENT. Identifiers: Orphanet 91492, Orphanet 98984, Orphanet 98992, MedGen C3805411, MONDO:0007286, OMIM 116300.

Allele frequency attached by ClinVar (database versions not stated): gnomAD exomes 0.00002 and 0.00005; ExAC 0.00004; gnomAD 0.00039 and 0.00041; TOPMed 0.00077; 1000 Genomes Project 30x 0.00109; 1000 Genomes Project 0.00120.
gnomAD v4.1: 100 of 1,611,878 alleles (0.0062%); highest among the groups gnomAD compares: Admixed American, 0.14%; 3 homozygotes.

Submissions (3):

PreventionGenetics, part of Exact Sciences
Classification: Likely benign for VIM-related condition. Last evaluated: 2026-06-29. Review status: criteria provided, single submitter. Criteria: ACMG Guidelines, 2015. Collection method: clinical testing. Allele origin: germline.
Comment: This variant is classified as likely benign based on ACMG/AMP sequence variant interpretation guidelines (Richards et al. 2015 PMID: 25741868, with internal and published modifications).

Labcorp Genetics (formerly Invitae), Labcorp
Classification: Likely benign for Cataract 30. Last evaluated: 2025-03-29. Review status: criteria provided, single submitter. Criteria: Invitae Variant Classification Sherloc (09022015). Collection method: clinical testing. Allele origin: germline.

Breakthrough Genomics
Classification: Likely benign. Review status: criteria provided, single submitter. Criteria: ACMG Guidelines, 2015. Collection method: not provided. Allele origin: germline. Inheritance: Autosomal dominant inheritance. Affected: yes.

NM_003380.5(VIM):c.882+7A>C

Gene: VIM (vimentin; plus strand). Cytogenetic location: 10p13.
Variant type: single nucleotide variant.
Coding change: c.882+7A>C on transcript NM_003380.5 (MANE Select); 7 bases into the intron after coding-DNA position 882, A replaced by C.
Molecular consequence: intron variant.
Genome position (GRCh38, 1-based): chr10:17,233,938, A>C. VCF-style: chr10-17233938-A-C. GRCh37 (hg19) VCF-style: chr10-17275937-A-C.
Identifiers: ClinVar variation 706111 (VCV000706111.7), dbSNP rs188726419, ClinGen allele CA5426586.